The following is an entry in ClinVar:

NM_000252.3(MTM1):c.1052A>G (p.Lys351Arg)

Gene: MTM1 (myotubularin 1; plus strand). Cytogenetic location: Xq28.
Variant type: single nucleotide variant.
Coding change: c.1052A>G on transcript NM_000252.3 (MANE Select); coding-DNA position 1052, A replaced by G.
Protein change: p.Lys351Arg; replaces lysine 351 with arginine.
Molecular consequence: missense variant.
Genome position (GRCh38, 1-based): chrX:150,649,900, A>G. VCF-style: chrX-150649900-A-G. GRCh37 (hg19) VCF-style: chrX-149818373-A-G.
Other names: c.1052A>G, p.Lys351Arg (NM_001376906.1, NM_001376908.1); c.941A>G, p.Lys314Arg (NM_001376907.1); short protein forms K351R, K314R.
Identifiers: ClinVar variation 500885 (VCV000500885.28), dbSNP rs150430628, ClinGen allele CA10539196.

ClinVar aggregate classification (germline): Conflicting classifications of pathogenicity. Review status: criteria provided, conflicting classifications (1 of 4 stars). 6 submissions from 6 submitters: Uncertain significance (3); Benign (2). 1 of the submissions does not count toward it. Last evaluated 2026-07-20.

Conditions:
Inborn genetic diseases. Identifiers: MedGen C0950123, MeSH D030342.
Severe X-linked myotubular myopathy (CNMX). Also called: MYOTUBULAR MYOPATHY 1; Myotubular myopathy, X-linked; X-linked centronuclear myopathy. Identifiers: Orphanet 596, MedGen C0410203, MONDO:0010683, OMIM 310400.

Allele frequency attached by ClinVar (database versions not stated): gnomAD exomes 0.00042 and 0.00020; ExAC 0.00015; ESP Exome Variant Server 0.00019; gnomAD 0.00019 and 0.00022; TOPMed 0.00022.

Submissions (9):

Ambry Genetics
Classification: Uncertain significance for Inborn genetic diseases. Last evaluated: 2026-07-20. Review status: criteria provided, single submitter. Criteria: Ambry Variant Classification Scheme 2023. Collection method: clinical testing. Allele origin: germline.
Comment: The c.1052A>G (p.K351R) alteration is located in exon 10 (coding exon 9) of the MTM1 gene. This alteration results from a A to G substitution at nucleotide position 1052, causing the lysine (K) at amino acid position 351 to be replaced by an arginine (R). Based on data from gnomAD, the G allele has an overall frequency of 0.019% (38/197715) total alleles studied. The highest observed frequency was 0.039% (35/90626) of European (non-Finnish) alleles. Based on insufficient or conflicting evidence, the clinical significance of this alteration remains unclear.

Labcorp Genetics (formerly Invitae), Labcorp
Classification: Benign for Severe X-linked myotubular myopathy. Last evaluated: 2025-10-05. Review status: criteria provided, single submitter. Criteria: Invitae Variant Classification Sherloc (09022015). Collection method: clinical testing. Allele origin: germline.

Revvity Omics, Revvity
Classification: Uncertain significance. Last evaluated: 2020-12-20. Review status: criteria provided, single submitter. Criteria: ACMG Guidelines, 2015. Collection method: clinical testing. Allele origin: germline.

GeneDx
Classification: Benign. Last evaluated: 2020-04-22. Review status: criteria provided, single submitter. Criteria: GeneDx Variant Classification Process June 2021. Collection method: clinical testing. Allele origin: germline. Affected: yes.

Eurofins Ntd Llc (ga)
Classification: Uncertain significance. Last evaluated: 2017-04-06. Review status: criteria provided, single submitter. Criteria: EGL Classification Definitions 2015. Collection method: clinical testing. Allele origin: germline. Observed: 1 variant allele, 1 hemizygote.

Natera, Inc.
Classification: Likely benign for Severe X-linked myotubular myopathy. Last evaluated: 2020-01-06. Review status: no assertion criteria provided. Collection method: clinical testing. Allele origin: germline. Not counted in ClinVar's aggregate classification.

Dr. Peter K. Rogan Lab, Western University
No classification provided (evidence only). Condition: Colorectal cancer. Review status: no classification provided. Collection method: in vitro. Allele origin: not applicable. Functional consequence: skipped exon, retained intron. Not counted in ClinVar's aggregate classification.

Dr. Peter K. Rogan Lab, Western University
No classification provided (evidence only). Condition: Nonpapillary renal cell carcinoma. Review status: no classification provided. Collection method: in vitro. Allele origin: not applicable. Functional consequence: retained intron. Not counted in ClinVar's aggregate classification.

Dr. Peter K. Rogan Lab, Western University
No classification provided (evidence only). Condition: Malignant tumor of esophagus. Review status: no classification provided. Collection method: in vitro. Allele origin: not applicable. Functional consequence: retained intron. Not counted in ClinVar's aggregate classification.